The following is an entry in ClinVar:

ClinVar aggregate classification (germline): Likely benign (0 of 4 stars; one submission).

Conditions:
ARHGAP26-related disorder. Also called: ARHGAP26-related condition.

Allele frequency attached by ClinVar (database versions not stated): gnomAD 0.00008; TOPMed 0.00008; ExAC 0.00009; gnomAD exomes 0.00011; 1000 Genomes Project 0.00040.
gnomAD v4.1: 171 of 1,612,666 alleles (0.011%); highest among the groups gnomAD compares: Non-Finnish European, 0.012%; no homozygotes.

Submission:

PreventionGenetics, part of Exact Sciences
Classification: Likely benign for ARHGAP26-related condition. Last evaluated: 2019-03-26. Review status: no assertion criteria provided. Collection method: clinical testing. Allele origin: germline.
Comment: This variant is classified as likely benign based on ACMG/AMP sequence variant interpretation guidelines (Richards et al. 2015 PMID: 25741868, with internal and published modifications).

NM_001135608.3(ARHGAP26):c.1838-10T>C

Gene: ARHGAP26 (Rho GTPase activating protein 26; plus strand). Cytogenetic location: 5q31.3.
Variant type: single nucleotide variant.
Coding change: c.1838-10T>C on transcript NM_001135608.3 (MANE Select); 10 bases into the intron before coding-DNA position 1838, T replaced by C.
Molecular consequence: intron variant.
Genome position (GRCh38, 1-based): chr5:143,147,221, T>C. VCF-style: chr5-143147221-T-C. GRCh37 (hg19) VCF-style: chr5-142526786-T-C.
Other names: c.1838-10T>C (NM_015071.6); c.1730-10T>C (NM_001349547.2).
Identifiers: ClinVar variation 3035344 (VCV003035344.2), dbSNP rs200135480, ClinGen allele CA3486471.
Genomic context (GRCh38, chr5:143,147,221, plus strand): 5'-TTGTGCATGTAGCAATAGACTGTCCCTATGCAATAATATTAATATGGGACTTGTGGCTTT[T>C]CCCCCCCAGAGGAACAAAGGAACAGCATCATCAACTCCAGTTTGGAATCTGTCTCATCAA-3'